The following is an entry in ClinVar:

NM_005055.5(RAPSN):c.855G>A (p.Gln285=)

Gene: RAPSN (receptor associated protein of the synapse; minus strand). Cytogenetic location: 11p11.2.
Variant type: single nucleotide variant.
Coding change: c.855G>A on transcript NM_005055.5 (MANE Select); coding-DNA position 855, G replaced by A.
Protein change: p.Gln285=; no amino-acid change (glutamine 285 retained).
Molecular consequence: synonymous variant. On other transcripts: intron variant (1).
Genome position (GRCh38, 1-based): chr11:47,441,668, C>T on the plus strand (G>A on the coding strand, the complement: RAPSN is on the minus strand). VCF-style: chr11-47441668-C-T. GRCh37 (hg19) VCF-style: chr11-47463220-C-T.
Other names: p.Gln285=; c.789+155G>A (NM_032645.5).
Identifiers: ClinVar variation 130092 (VCV000130092.26), dbSNP rs45603036, ClinGen allele CA154878.

ClinVar aggregate classification (germline): Benign. Review status: criteria provided, multiple submitters, no conflicts (2 of 4 stars). 13 submissions from 11 submitters: Benign (11). 2 of the submissions do not count toward it. Last evaluated 2026-02-04.

Conditions:
Congenital myasthenic syndrome 11. Also called: MYASTHENIC SYNDROME, CONGENITAL, Ie; Myasthenic syndrome, congenital, 11, associated with acetylcholine receptor deficiency. Identifiers: Orphanet 590, MedGen C4225367, MONDO:0014588, OMIM 616326.
Fetal akinesia deformation sequence 2. Identifiers: MedGen C4760576, MONDO:0100102, OMIM 618388.
Congenital myasthenic syndrome (CMS). Also called: Congenital Myasthenic Syndromes. Identifiers: Orphanet 590, MedGen C0751882, MeSH D020294, MONDO:0018940.
Fetal akinesia deformation sequence 1 (FADS1). Also called: Pena-Shokeir syndrome type I; Fetal akinesia sequence. Identifiers: Orphanet 994, MedGen C1276035, MONDO:0100101, OMIM 208150, HP:0001989.

Allele frequency attached by ClinVar (database versions not stated): 1000 Genomes Project 30x 0.07136; 1000 Genomes Project 0.07149; TOPMed 0.10192; gnomAD exomes 0.10539 and 0.12917; gnomAD 0.10567 and 0.10742; ExAC 0.11424; ESP Exome Variant Server 0.11717.
gnomAD v4.1: 203,782 of 1,609,464 alleles (13%); highest among the groups gnomAD compares: Non-Finnish European, 14%; 13,929 homozygotes.

Submissions (13):

Labcorp Genetics (formerly Invitae), Labcorp
Classification: Benign for Congenital myasthenic syndrome 11; Fetal akinesia deformation sequence 1. Last evaluated: 2026-02-04. Review status: criteria provided, single submitter. Criteria: Invitae Variant Classification Sherloc (09022015). Collection method: clinical testing. Allele origin: germline.

Blueprint Genetics
Classification: Benign. Last evaluated: 2024-11-27. Review status: criteria provided, single submitter. Criteria: ACMG Guidelines, 2015. Collection method: clinical testing. Allele origin: germline.

Fulgent Genetics
Classification: Benign for Congenital myasthenic syndrome 11; Fetal akinesia deformation sequence 2. Last evaluated: 2022-03-28. Review status: criteria provided, single submitter. Criteria: ACMG Guidelines, 2015. Collection method: clinical testing. Allele origin: unknown.

Genome-Nilou Lab
Classification: Benign for Fetal akinesia deformation sequence 2. Last evaluated: 2021-07-10. Review status: criteria provided, single submitter. Criteria: ACMG Guidelines, 2015. Collection method: clinical testing. Allele origin: germline. Affected: no.

Genome-Nilou Lab
Classification: Benign for Congenital myasthenic syndrome 11. Last evaluated: 2021-07-10. Review status: criteria provided, single submitter. Criteria: ACMG Guidelines, 2015. Collection method: clinical testing. Allele origin: germline. Affected: no.

Illumina Laboratory Services, Illumina
Classification: Benign for Fetal akinesia deformation sequence 1. Last evaluated: 2018-01-13. Review status: criteria provided, single submitter. Criteria: ICSL Variant Classification Criteria 13 December 2019. Collection method: clinical testing. Allele origin: germline.
Comment: This variant was observed in the ICSL laboratory as part of a predisposition screen in an ostensibly healthy population. It had not been previously curated by ICSL or reported in the Human Gene Mutation Database (HGMD: prior to June 1st, 2018), and was therefore a candidate for classification through an automated scoring system. Utilizing variant allele frequency, disease prevalence and penetrance estimates, and inheritance mode, an automated score was calculated to assess if this variant is too frequent to cause the disease. Based on the score and internal cut-off values, a variant classified as benign is not then subjected to further curation. The score for this variant resulted in a classification of benign for this disease.

Illumina Laboratory Services, Illumina
Classification: Benign for Congenital myasthenic syndrome 11. Last evaluated: 2018-01-13. Review status: criteria provided, single submitter. Criteria: ICSL Variant Classification Criteria 13 December 2019. Collection method: clinical testing. Allele origin: germline.
Comment: the same text as in the submission from Illumina Laboratory Services, Illumina above.

Mayo Clinic Laboratories, Mayo Clinic
Classification: Benign. Last evaluated: 2017-07-21. Review status: criteria provided, single submitter. Criteria: ACMG Guidelines, 2015. Collection method: clinical testing. Allele origin: germline. Observed: 104 variant alleles.

GeneDx
Classification: Benign. Last evaluated: 2016-05-13. Review status: criteria provided, single submitter. Criteria: GeneDx Variant Classification (06012015). Collection method: clinical testing. Allele origin: germline. Affected: yes.
Comment: This variant is considered likely benign or benign based on one or more of the following criteria: it is a conservative change, it occurs at a poorly conserved position in the protein, it is predicted to be benign by multiple in silico algorithms, and/or has population frequency not consistent with disease.

Breakthrough Genomics
Classification: Benign. Review status: criteria provided, single submitter. Criteria: ACMG Guidelines, 2015. Collection method: not provided. Allele origin: germline. Inheritance: Autosomal recessive inheritance. Affected: yes.

PreventionGenetics, part of Exact Sciences
Classification: Benign. Review status: criteria provided, single submitter. Criteria: ACMG Guidelines, 2015. Collection method: clinical testing. Allele origin: germline.

Natera, Inc.
Classification: Benign for Congenital myasthenic syndrome. Last evaluated: 2020-09-16. Review status: no assertion criteria provided. Collection method: clinical testing. Allele origin: germline. Not counted in ClinVar's aggregate classification.

Genetic Services Laboratory, University of Chicago
Classification: Likely benign for AllHighlyPenetrant. Review status: no assertion criteria provided. Collection method: clinical testing. Allele origin: germline. Inheritance: Autosomal recessive inheritance. Not counted in ClinVar's aggregate classification.
Comment: Likely benign based on allele frequency in 1000 Genomes Project or ESP global frequency and its presence in a patient with a rare or unrelated disease phenotype. NOT Sanger confirmed.